The following is an entry in ClinVar:

NM_000578.4(SLC11A1):c.115C>T (p.Leu39=)

Gene: SLC11A1 (solute carrier family 11 member 1; plus strand). Cytogenetic location: 2q35.
Variant type: single nucleotide variant.
Coding change: c.115C>T on transcript NM_000578.4 (MANE Select); coding-DNA position 115, C replaced by T.
Protein change: p.Leu39=; no amino-acid change (leucine 39 retained).
Molecular consequence: synonymous variant.
Genome position (GRCh38, 1-based): chr2:218,383,067, C>T. VCF-style: chr2-218383067-C-T. GRCh37 (hg19) VCF-style: chr2-219247790-C-T.
Identifiers: ClinVar variation 3055747 (VCV003055747.2), dbSNP rs7576974, ClinGen allele CA2104750.

ClinVar aggregate classification (germline): Benign (0 of 4 stars; one submission).

Conditions:
SLC11A1-related disorder. Also called: SLC11A1-related condition.

Allele frequency attached by ClinVar (database versions not stated): ExAC 0.01774; gnomAD 0.04360; TOPMed 0.04777; ESP Exome Variant Server 0.04813; 1000 Genomes Project 0.05491; 1000 Genomes Project 30x 0.05793.

Submission:

PreventionGenetics, part of Exact Sciences
Classification: Benign for SLC11A1-related condition. Last evaluated: 2020-01-28. Review status: no assertion criteria provided. Collection method: clinical testing. Allele origin: germline.
Comment: This variant is classified as benign based on ACMG/AMP sequence variant interpretation guidelines (Richards et al. 2015 PMID: 25741868, with internal and published modifications).